The following is an entry in ClinVar:

ClinVar aggregate classification (germline): Uncertain significance. Review status: criteria provided, multiple submitters, no conflicts (2 of 4 stars). 2 submissions from 2 submitters: Uncertain significance (2). Last evaluated 2022-04-01.

gnomAD v4.1: 3 of 1,613,000 alleles (0.00019%); highest among the groups gnomAD compares: East Asian, 0.0067%; no homozygotes.

Submissions (2):

CeGaT Center for Human Genetics Tuebingen
Classification: Uncertain significance. Last evaluated: 2022-04-01. Review status: criteria provided, single submitter. Criteria: CeGaT Center For Human Genetics Tuebingen Variant Classification Criteria Version 2. Collection method: clinical testing. Allele origin: germline. Affected: yes. Observed: 1 variant allele.
Comment: TTN: PM2, BP4

Eurofins Ntd Llc (ga)
Classification: Uncertain significance. Last evaluated: 2017-07-27. Review status: criteria provided, single submitter. Criteria: EGL Classification Definitions 2015. Collection method: clinical testing. Allele origin: germline. Observed: 1 variant allele, 1 heterozygote.

NM_001267550.2(TTN):c.81305C>T (p.Thr27102Ile)

Genes: TTN (titin; minus strand), TTN-AS1 (TTN antisense RNA 1; plus strand). Cytogenetic location: 2q31.2.
Variant type: single nucleotide variant.
Coding change: c.81305C>T on transcript NM_001267550.2 (MANE Select); coding-DNA position 81305, C replaced by T.
Protein change: p.Thr27102Ile; replaces threonine 27102 with isoleucine.
Molecular consequence: missense variant.
Genome position (GRCh38, 1-based): chr2:178,564,827, G>A on the plus strand (C>T on the coding strand, the complement: TTN is on the minus strand). VCF-style: chr2-178564827-G-A. GRCh37 (hg19) VCF-style: chr2-179429554-G-A.
Other names: c.76382C>T, p.Thr25461Ile (NM_001256850.1); c.54110C>T, p.Thr18037Ile (NM_003319.4); c.73601C>T, p.Thr24534Ile (NM_133378.4); c.54485C>T, p.Thr18162Ile (NM_133432.3); c.54686C>T, p.Thr18229Ile (NM_133437.4); short protein forms T24534I, T27102I, T18037I, T18229I, T25461I, T18162I.
Identifiers: ClinVar variation 593329 (VCV000593329.29), dbSNP rs760944577, ClinGen allele CA349581998.